The following is an entry in ClinVar:

ClinVar aggregate classification (germline): Likely benign. Review status: criteria provided, multiple submitters, no conflicts (2 of 4 stars). 3 submissions from 3 submitters: Likely benign (2). 1 of the submissions does not count toward it. Last evaluated 2025-07-25.

Conditions:
Polycystic kidney disease, adult type (PKD1). Also called: Polycystic Kidney, Autosomal Dominant; Polycystic Kidney Disease 1, Autosomal Dominant; Polycystic kidney disease 1; Polycystic kidney disease 1, severe; POLYCYSTIC KIDNEY DISEASE 1 WITH OR WITHOUT POLYCYSTIC LIVER DISEASE; POLYCYSTIC KIDNEY DISEASE, ADULT, TYPE I. Identifiers: MedGen C3149841, MONDO:0008263, OMIM 173900.
Polycystic kidney disease. Also called: Kidney, Polycystic; Polycystic kidney dysplasia. Identifiers: MedGen C0022680, MeSH D007690, MONDO:0020642, HP:0000113.
PKD1-related disorder. Also called: PKD1-related condition.

Allele frequency attached by ClinVar (database versions not stated): ESP Exome Variant Server 0.00008; TOPMed 0.00014.
gnomAD v4.1: 289 of 1,608,974 alleles (0.018%); highest among the groups gnomAD compares: Non-Finnish European, 0.023%; no homozygotes.

Submissions (3):

PreventionGenetics, part of Exact Sciences
Classification: Likely benign for PKD1-related condition. Last evaluated: 2025-07-25. Review status: criteria provided, single submitter. Criteria: ACMG Guidelines, 2015. Collection method: clinical testing. Allele origin: germline.
Comment: This variant is classified as likely benign based on ACMG/AMP sequence variant interpretation guidelines (Richards et al. 2015 PMID: 25741868, with internal and published modifications).

Fulgent Genetics
Classification: Likely benign for Polycystic kidney disease, adult type. Last evaluated: 2021-11-22. Review status: criteria provided, single submitter. Criteria: ACMG Guidelines, 2015. Collection method: clinical testing. Allele origin: unknown.

Department of Pathology and Laboratory Medicine, Sinai Health System
Classification: Likely benign for Polycystic Kidney disease. Review status: no assertion criteria provided. Collection method: clinical testing. Allele origin: unknown. Affected: yes. Study: The Canadian Open Genetics Repository (COGR). Not counted in ClinVar's aggregate classification.
Comment: The PKD1 p.Ser1679= variant was not identified in the literature nor was it identified in the ClinVar, LOVD 3.0, ADPKD Mutation Database, or PKD1-LOVD, databases. The variant was identified in dbSNP (ID: rs144091742). In addition, the variant was identified in our laboratory with a co-occurring pathogenic PKD2 variant (c.1322dup, (p.Leu441Phefs*4)), increasing the likelihood that the p.Ser1679= variant does not have clinical significance. The variant was identified in control databases in 20 of 268000 chromosomes at a frequency of 0.000075 increasing the likelihood this could be a low frequency benign variant (Genome Aggregation Database Feb 27, 2017). The variant was observed in the following populations: African in 2 of 22836 chromosomes (freq: 0.00009), European in 16 of 121162 chromosomes (freq: 0.0001), East Asian in 1 of 18552 chromosomes (freq: 0.00005), Finnish in 1 of 24768 chromosomes (freq: 0.00004), while the variant was not observed in the Other, Latino, Ashkenazi Jewish, and South Asian populations. In addition we cannot be certain that data from control databases is specific to PKD1 and not from one of the six PKD1 pseudogenes. The p.Ser1679= variant is not expected to have clinical significance because it does not result in a change of amino acid and is not located in a known consensus splice site. In addition, in silico or computational prediction software programs (SpliceSiteFinder, MaxEntScan, NNSPLICE, GeneSplicer) do not predict a difference in splicing. In summary, based on the above information the clinical significance of this variant cannot be determined with certainty at this time although we would lean towards a more benign role for this variant. This variant is classified as likely benign.

NM_001009944.3(PKD1):c.5037C>T (p.Ser1679=)

Gene: PKD1 (polycystin 1, transient receptor potential channel interacting; minus strand). Cytogenetic location: 16p13.3.
Variant type: single nucleotide variant.
Coding change: c.5037C>T on transcript NM_001009944.3 (MANE Select); coding-DNA position 5037, C replaced by T.
Protein change: p.Ser1679=; no amino-acid change (serine 1679 retained).
Molecular consequence: synonymous variant.
Genome position (GRCh38, 1-based): chr16:2,110,130, G>A on the plus strand (C>T on the coding strand, the complement: PKD1 is on the minus strand). VCF-style: chr16-2110130-G-A. GRCh37 (hg19) VCF-style: chr16-2160131-G-A.
Other names: c.5037C>T (NM_001009944.2); c.5037C>T, p.Ser1679= (NM_000296.4).
Identifiers: ClinVar variation 997329 (VCV000997329.3), dbSNP rs144091742, ClinGen allele CA7832149.
Genomic context (GRCh38, chr16:2,110,130, plus strand): 5'-GGCCCGCAGCTGCACATGGTAGGTGCCGGCCTCGAGCACGGTGAGCGAGAAGCCTTTGCC[G>A]CTGCCGGCCAGGGCCGGGCCCCTGTCCCTCCAGGCAGTCCAGCTGTAGGAGACGTTGGTG-3'
Protein context (NP_001009944.3, residues 1669-1689): WRDRGPALAG[Ser1679=]GKGFSLTVLE